The following is an entry in ClinVar:

ClinVar aggregate classification (germline): Uncertain significance (1 of 4 stars; one submission).

Submission:

GeneDx
Classification: Uncertain significance. Last evaluated: 2024-10-23. Review status: criteria provided, single submitter. Criteria: GeneDx Variant Classification Process June 2021. Collection method: clinical testing. Allele origin: germline. Affected: yes.
Comment: Not observed at significant frequency in large population cohorts (gnomAD); In silico analysis indicates that this missense variant does not alter protein structure/function; Has not been previously published as pathogenic or benign to our knowledge

NM_003718.5(CDK13):c.185C>G (p.Ala62Gly)

Gene: CDK13 (cyclin dependent kinase 13; plus strand). Cytogenetic location: 7p14.1.
Variant type: single nucleotide variant.
Coding change: c.185C>G on transcript NM_003718.5 (MANE Select); coding-DNA position 185, C replaced by G.
Protein change: p.Ala62Gly; replaces alanine 62 with glycine.
Molecular consequence: missense variant.
Genome position (GRCh38, 1-based): chr7:39,950,826, C>G. VCF-style: chr7-39950826-C-G. GRCh37 (hg19) VCF-style: chr7-39990425-C-G.
Other names: c.185C>G, p.Ala62Gly (NM_031267.4); short protein forms A62G.
Identifiers: ClinVar variation 3893503 (VCV003893503.1).